The following is an entry in ClinVar:

NM_001040108.2(MLH3):c.1407G>A (p.Lys469=)

Gene: MLH3 (mutL homolog 3; minus strand). Cytogenetic location: 14q24.3.
Variant type: single nucleotide variant.
Coding change: c.1407G>A on transcript NM_001040108.2 (MANE Select); coding-DNA position 1407, G replaced by A.
Protein change: p.Lys469=; no amino-acid change (lysine 469 retained).
Molecular consequence: synonymous variant.
Genome position (GRCh38, 1-based): chr14:75,048,249, C>T on the plus strand (G>A on the coding strand, the complement: MLH3 is on the minus strand). VCF-style: chr14-75048249-C-T. GRCh37 (hg19) VCF-style: chr14-75514952-C-T.
Other names: c.1407G>A, p.Lys469= (NM_014381.3).
Identifiers: ClinVar variation 3232440 (VCV003232440.2), dbSNP rs1892403591, ClinGen allele CA487273976.

ClinVar aggregate classification (germline): Benign/Likely benign. Review status: criteria provided, multiple submitters, no conflicts (2 of 4 stars). 2 submissions from 2 submitters: Benign (1); Likely benign (1). Last evaluated 2026-04-30.

Conditions:
Colorectal cancer, hereditary nonpolyposis, type 7. Identifiers: Orphanet 144, MedGen C1858380, MONDO:0013725, OMIM 614385.

Submissions (2):

Myriad Genetics, Inc.
Classification: Benign for Colorectal cancer, hereditary nonpolyposis, type 7. Last evaluated: 2026-04-30. Review status: criteria provided, single submitter. Criteria: Myriad Autosomal Dominant, Autosomal Recessive and X-Linked Classification Criteria (2023). Collection method: clinical testing. Allele origin: unknown.
Comment: This variant is considered benign. This variant is a silent/synonymous amino acid change and it is not expected to impact splicing.

Ambry Genetics
Classification: Likely benign. Last evaluated: 2020-03-16. Review status: criteria provided, single submitter. Criteria: Ambry Variant Classification Scheme 2023. Collection method: clinical testing. Allele origin: germline.